The following is an entry in ClinVar:

ClinVar aggregate classification (germline): Conflicting classifications of pathogenicity. Review status: criteria provided, conflicting classifications (1 of 4 stars). 2 submissions from 2 submitters: Likely pathogenic (1); Uncertain significance (1). Last evaluated 2025-09-10.

Conditions:
Cardiovascular phenotype. Identifiers: MedGen CN230736.
Dilated cardiomyopathy 1U. Identifiers: Orphanet 154, MedGen C3160720, MONDO:0013371, OMIM 613694.

Allele frequency attached by ClinVar (database versions not stated): gnomAD 0.00001.

Submissions (2):

Genomic Medicine Center of Excellence, King Faisal Specialist Hospital and Research Centre
Classification: Likely pathogenic for Dilated cardiomyopathy 1U. Last evaluated: 2025-09-10. Review status: criteria provided, single submitter. Criteria: ACMG Guidelines, 2015. Collection method: clinical testing. Allele origin: germline.

Ambry Genetics
Classification: Uncertain significance for Cardiovascular phenotype. Last evaluated: 2022-03-09. Review status: criteria provided, single submitter. Criteria: Ambry Variant Classification Scheme 2023. Collection method: clinical testing. Allele origin: germline.
Comment: The p.M1? variant (also known as c.2T>A) is located in coding exon 1 of the MYL3 gene and results from a T to A substitution at nucleotide position 2. This alters the methionine residue at the initiation codon (ATG). This amino acid position is highly conserved in available vertebrate species. Variations that modify the initiation codon (ATG) are expected to result in either loss of translation initiation, N-terminal truncation, or cause a shift in the mRNA reading frame; however, loss of function of MYL3 has not been clearly established as a mechanism of disease. Since supporting evidence is limited at this time, the clinical significance of this alteration remains unclear.

Literature cited by the submitters: PubMed 33495597 (cited by Ambry Genetics).

NM_000258.3(MYL3):c.2T>A (p.Met1Lys)

Gene: MYL3 (myosin light chain 3; minus strand). Cytogenetic location: 3p21.31.
Variant type: single nucleotide variant.
Coding change: c.2T>A on transcript NM_000258.3 (MANE Select); coding-DNA position 2, T replaced by A.
Protein change: p.Met1Lys; changes the start codon (methionine 1).
Molecular consequence: missense variant, initiator codon variant.
Genome position (GRCh38, 1-based): chr3:46,863,389, A>T on the plus strand (T>A on the coding strand, the complement: MYL3 is on the minus strand). VCF-style: chr3-46863389-A-T. GRCh37 (hg19) VCF-style: chr3-46904879-A-T.
Other names: c.2T>A, p.Met1Lys (NM_001406937.1, NM_001406938.1, NM_001406939.1); short protein forms M1K.
Identifiers: ClinVar variation 1798669 (VCV001798669.4), dbSNP rs1282347222, ClinGen allele CA352499998.